The following is an entry in ClinVar:

ClinVar aggregate classification (germline): Likely pathogenic. Review status: criteria provided, multiple submitters, no conflicts (2 of 4 stars). 3 submissions from 3 submitters: Likely pathogenic (3). Last evaluated 2025-10-06.

Conditions:
KCNQ4-related disorder. Also called: KCNQ4-related condition.

Submissions (3):

PreventionGenetics, part of Exact Sciences
Classification: Likely pathogenic for KCNQ4-related condition. Last evaluated: 2025-10-06. Review status: criteria provided, single submitter. Criteria: ACMG Guidelines, 2015. Collection method: clinical testing. Allele origin: germline.
Comment: The KCNQ4 c.827G>T variant is predicted to result in the amino acid substitution p.Trp276Leu. This variant was reported in an individual with autosomal dominant hearing loss (Table S1, Sommen et al. 2016. PubMed ID: 27068579). This variant has not been reported in a large population database (gnomAD), indicating this variant is rare. The KCNQ4 pore forming region (amino acids 270 – 297) is considered a mutational hotspot due to intolerance to missense variation in the general population and enrichment of pathogenic missense variants in patients with autosomal dominant hearing loss (ClinGen Hearing Loss Variant Curation Expert Panel, Oza et al. 2018. PubMed ID: 30311386; Naito et al. 2013. PubMed ID: 23717403). This variant is interpreted as likely pathogenic.

GeneDx
Classification: Likely pathogenic. Last evaluated: 2025-04-03. Review status: criteria provided, single submitter. Criteria: GeneDx Variant Classification Process June 2021. Collection method: clinical testing. Allele origin: germline.
Comment: Not observed at significant frequency in large population cohorts (gnomAD); In silico analysis supports that this missense variant has a deleterious effect on protein structure/function; This variant is associated with the following publications: (PMID: 27068579, 23717403, 30311386, 34599366)

Labcorp Genetics (formerly Invitae), Labcorp
Classification: Likely pathogenic. Last evaluated: 2022-12-03. Review status: criteria provided, single submitter. Criteria: Invitae Variant Classification Sherloc (09022015). Collection method: clinical testing. Allele origin: germline.
Comment: In summary, the currently available evidence indicates that the variant is pathogenic, but additional data are needed to prove that conclusively. Therefore, this variant has been classified as Likely Pathogenic. This missense change has been observed in individual(s) with autosomal dominant deafness (PMID: 27068579; Invitae). This sequence change replaces tryptophan, which is neutral and slightly polar, with leucine, which is neutral and non-polar, at codon 276 of the KCNQ4 protein (p.Trp276Leu). This variant is not present in population databases (gnomAD no frequency). Advanced modeling of protein sequence and biophysical properties (such as structural, functional, and spatial information, amino acid conservation, physicochemical variation, residue mobility, and thermodynamic stability) performed at Invitae indicates that this missense variant is expected to disrupt KCNQ4 protein function. Algorithms developed to predict the effect of sequence changes on RNA splicing suggest that this variant may disrupt the consensus splice site. This variant disrupts the p.Trp276 amino acid residue in KCNQ4. Other variant(s) that disrupt this residue have been determined to be pathogenic (PMID: 12112653). This suggests that this residue is clinically significant, and that variants that disrupt this residue are likely to be disease-causing.

Literature cited by the submitters: PubMed 27068579 (cited by Labcorp Genetics (formerly Invitae), Labcorp); PubMed 12112653 (cited by Labcorp Genetics (formerly Invitae), Labcorp).

NM_004700.4(KCNQ4):c.827G>T (p.Trp276Leu)

Gene: KCNQ4 (potassium voltage-gated channel subfamily Q member 4; plus strand). Cytogenetic location: 1p34.2.
Variant type: single nucleotide variant.
Coding change: c.827G>T on transcript NM_004700.4 (MANE Select); coding-DNA position 827, G replaced by T.
Protein change: p.Trp276Leu; replaces tryptophan 276 with leucine.
Molecular consequence: missense variant.
Genome position (GRCh38, 1-based): chr1:40,819,465, G>T. VCF-style: chr1-40819465-G-T. GRCh37 (hg19) VCF-style: chr1-41285137-G-T.
Other names: c.827G>T, p.Trp276Leu (NM_172163.3); short protein forms W276L.
Identifiers: ClinVar variation 2632379 (VCV002632379.7), dbSNP rs80358277, ClinGen allele CA339895715.